The following is an entry in ClinVar:

ClinVar aggregate classification (germline): Uncertain significance (1 of 4 stars; one submission).

Conditions:
Brachyolmia-amelogenesis imperfecta syndrome. Also called: PLATYSPONDYLY WITH AMELOGENESIS IMPERFECTA; Tooth agenesis, selective, 6; Dental anomalies and short stature. Identifiers: Orphanet 2899, MedGen C1832594, MONDO:0011018, OMIM 601216. Disease mechanism: loss of function.

Allele frequency attached by ClinVar (database versions not stated): TOPMed below 0.00001; gnomAD 0.00001; gnomAD exomes 0.00001.

Submission:

Labcorp Genetics (formerly Invitae), Labcorp
Classification: Uncertain significance for Brachyolmia-amelogenesis imperfecta syndrome. Last evaluated: 2022-03-08. Review status: criteria provided, single submitter. Criteria: Invitae Variant Classification Sherloc (09022015). Collection method: clinical testing. Allele origin: germline.
Comment: In summary, the available evidence is currently insufficient to determine the role of this variant in disease. Therefore, it has been classified as a Variant of Uncertain Significance. Algorithms developed to predict the effect of missense changes on protein structure and function (SIFT, PolyPhen-2, Align-GVGD) all suggest that this variant is likely to be tolerated. This variant has not been reported in the literature in individuals affected with LTBP3-related conditions. This variant is present in population databases (no rsID available, gnomAD 0.002%). This sequence change replaces phenylalanine, which is neutral and non-polar, with serine, which is neutral and polar, at codon 725 of the LTBP3 protein (p.Phe725Ser).

NM_001130144.3(LTBP3):c.2174T>C (p.Phe725Ser)

Genes: LTBP3 (latent transforming growth factor beta binding protein 3; minus strand), LOC130006030 (ATAC-STARR-seq lymphoblastoid silent region 3533; plus strand). Cytogenetic location: 11q13.1.
Variant type: single nucleotide variant.
Coding change: c.2174T>C on transcript NM_001130144.3 (MANE Select); coding-DNA position 2174, T replaced by C.
Protein change: p.Phe725Ser; replaces phenylalanine 725 with serine.
Molecular consequence: missense variant.
Genome position (GRCh38, 1-based): chr11:65,546,854, A>G on the plus strand (T>C on the coding strand, the complement: LTBP3 is on the minus strand). VCF-style: chr11-65546854-A-G. GRCh37 (hg19) VCF-style: chr11-65314325-A-G.
Other names: c.1823T>C, p.Phe608Ser (NM_001164266.1); c.2174T>C, p.Phe725Ser (NM_021070.4); short protein forms F608S, F725S.
Identifiers: ClinVar variation 1978040 (VCV001978040.5), dbSNP rs1438261505, ClinGen allele CA381270031.
Genomic context (GRCh38, chr11:65,546,854, plus strand): 5'-TCACCGCGACAGGCCCCGCCCCCCTGGCTGCGGTAGCCAGGCTGACAGGCGATGCACTTG[A>G]AGCTCCCGGGCTTGTTCTCGCATTTGCCATCCGGGCAAGAGCTTGGGTCCCGGCACTCGT-3'
Protein context (NP_001123616.1, residues 715-735): DGKCENKPGS[Phe725Ser]KCIACQPGYR